The following is an entry in ClinVar:

NM_016013.4(NDUFAF1):c.549T>G (p.Cys183Trp)

Gene: NDUFAF1 (NADH:ubiquinone oxidoreductase complex assembly factor 1; minus strand). Cytogenetic location: 15q15.1.
Variant type: single nucleotide variant.
Coding change: c.549T>G on transcript NM_016013.4 (MANE Select); coding-DNA position 549, T replaced by G.
Protein change: p.Cys183Trp; replaces cysteine 183 with tryptophan.
Molecular consequence: missense variant. On other transcripts: non-coding transcript variant (1).
Genome position (GRCh38, 1-based): chr15:41,396,511, A>C on the plus strand (T>G on the coding strand, the complement: NDUFAF1 is on the minus strand). VCF-style: chr15-41396511-A-C. GRCh37 (hg19) VCF-style: chr15-41688709-A-C.
Other names: short protein forms C183W.
Identifiers: ClinVar variation 1370785 (VCV001370785.6), dbSNP rs2140922487, ClinGen allele CA391809818.

ClinVar aggregate classification (germline): Uncertain significance (1 of 4 stars; one submission).

Submission:

Labcorp Genetics (formerly Invitae), Labcorp
Classification: Uncertain significance. Last evaluated: 2021-12-02. Review status: criteria provided, single submitter. Criteria: Invitae Variant Classification Sherloc (09022015). Collection method: clinical testing. Allele origin: germline.
Comment: In summary, the available evidence is currently insufficient to determine the role of this variant in disease. Therefore, it has been classified as a Variant of Uncertain Significance. Algorithms developed to predict the effect of missense changes on protein structure and function are either unavailable or do not agree on the potential impact of this missense change (SIFT: "Deleterious"; PolyPhen-2: "Probably Damaging"; Align-GVGD: "Class C15"). This variant has not been reported in the literature in individuals affected with NDUFAF1-related conditions. This variant is not present in population databases (gnomAD no frequency). This sequence change replaces cysteine, which is neutral and slightly polar, with tryptophan, which is neutral and slightly polar, at codon 183 of the NDUFAF1 protein (p.Cys183Trp).